The following is an entry in ClinVar:

NM_022168.4(IFIH1):c.1701G>A (p.Met567Ile)

Gene: IFIH1 (interferon induced with helicase C domain 1; minus strand). Cytogenetic location: 2q24.2.
Variant type: single nucleotide variant.
Coding change: c.1701G>A on transcript NM_022168.4 (MANE Select); coding-DNA position 1701, G replaced by A.
Protein change: p.Met567Ile; replaces methionine 567 with isoleucine.
Molecular consequence: missense variant.
Genome position (GRCh38, 1-based): chr2:162,278,269, C>T on the plus strand (G>A on the coding strand, the complement: IFIH1 is on the minus strand). VCF-style: chr2-162278269-C-T. GRCh37 (hg19) VCF-style: chr2-163134779-C-T.
Other names: c.1701G>A, p.Met567Ile (LRG_1235t1); c.1701G>A (NM_022168.2); short protein forms M567I.
Identifiers: ClinVar variation 626115 (VCV000626115.8), dbSNP rs765060493, ClinGen allele CA1934432.
Genomic context (GRCh38, chr2:162,278,269, plus strand): 5'-TTTTTCCATTTGAATGGCCCATTGTTCATAGGGTTGAGTTCCAAAATCTGACATTGGACT[C>T]ATTTGACAATAAGTTTGAATCCTTGTCATTATTTCTAGAAGTTTCTCTTTAAATGGATCC-3'
Protein context (NP_071451.2, residues 557-577): IMTRIQTYCQ[Met567Ile]SPMSDFGTQP

ClinVar aggregate classification (germline): Conflicting classifications of pathogenicity. Review status: criteria provided, conflicting classifications (1 of 4 stars). 4 submissions from 3 submitters: Uncertain significance (3); Likely benign (1). Last evaluated 2025-12-09.

Conditions:
Singleton-Merten syndrome 1 (SGMRT1). Also called: Widened medullary cavities of bone, aortic calcification, abnormal dentition, and muscular weakness; Syndrome of widened medullary cavities of the metacarpals and phalanges, aortic calcification and abnormal dentition. Identifiers: Orphanet 85191, MedGen C4225427, MONDO:0024535, OMIM 182250.
Aicardi-Goutieres syndrome 7 (AGS7). Identifiers: Orphanet 51, MedGen C3888244, MONDO:0014367, OMIM 615846.
Inborn genetic diseases. Identifiers: MedGen C0950123, MeSH D030342.
Immunodeficiency 95 (IMD95). Identifiers: MedGen C5676929, MONDO:0030692, OMIM 619773.

Allele frequency attached by ClinVar (database versions not stated): gnomAD exomes 0.00001 and 0.00002; TOPMed 0.00003; gnomAD 0.00002; ExAC 0.00001.

Submissions (4):

Labcorp Genetics (formerly Invitae), Labcorp
Classification: Likely benign for Aicardi-Goutieres syndrome 7; Singleton-Merten syndrome 1. Last evaluated: 2025-12-09. Review status: criteria provided, single submitter. Criteria: Invitae Variant Classification Sherloc (09022015). Collection method: clinical testing. Allele origin: germline.

Ambry Genetics
Classification: Uncertain significance for Inborn genetic diseases. Last evaluated: 2022-10-26. Review status: criteria provided, single submitter. Criteria: Ambry Variant Classification Scheme 2023. Collection method: clinical testing. Allele origin: germline.

Center for Genomics, Ann and Robert H. Lurie Children's Hospital of Chicago
Classification: Uncertain significance for Immunodeficiency 95; Aicardi-Goutieres syndrome 7; Singleton-Merten syndrome 1. Last evaluated: 2021-03-30. Review status: criteria provided, single submitter. Criteria: ACMG Guidelines, 2015. Collection method: clinical testing. Allele origin: germline.
Comment: IFIH1 NM_022168.3 exon 9 p.Met567Ile (c.1701G>A): This variant has not been reported in the literature but is present in 0.03% (7/18144) of East Asian alleles in the Genome Aggregation Database. This variant amino acid Isoleucine (Ile) is present in 10 species and is not well conserved among evolutionarily distant species; this suggests that this variant may not impact the protein. Additional computational prediction tools do not suggest an impact. In summary, data on this variant is insufficient for disease classification. Therefore, the clinical significance of this variant is uncertain.

Center for Genomics, Ann and Robert H. Lurie Children's Hospital of Chicago
Classification: Uncertain significance for Aicardi-Goutieres syndrome 7; Singleton-Merten syndrome 1. Last evaluated: 2018-10-15. Review status: criteria provided, single submitter. Criteria: ACMG Guidelines, 2015. Collection method: clinical testing. Allele origin: germline.
Comment: the same text as in the submission from Center for Genomics, Ann and Robert H. Lurie Children's Hospital of Chicago above.